The following is an entry in ClinVar:

ClinVar aggregate classification (germline): Benign (1 of 4 stars; one submission).

Conditions:
Hereditary pheochromocytoma and paraganglioma. Also called: Hereditary Paraganglioma-Pheochromocytoma Syndromes; Hereditary paragangliomas and pheochromocytomas; Hereditary pheochromocytoma-paraganglioma. Identifiers: Orphanet 29072, MedGen C4274332, MONDO:0017366.

gnomAD v4.1: 1 of 1,593,508 alleles (0.000063%); highest among the groups gnomAD compares: Non-Finnish European, 0.000085%; no homozygotes.

Submission:

Myriad Genetics, Inc.
Classification: Benign for Hereditary pheochromocytoma and paraganglioma. Last evaluated: 2026-07-29. Review status: criteria provided, single submitter. Criteria: Myriad Autosomal Dominant, Autosomal Recessive and X-Linked Classification Criteria (2023). Collection method: clinical testing. Allele origin: unknown.
Comment: This variant is considered benign. This variant is a silent/synonymous amino acid change and it is not expected to impact splicing.

NM_017849.4(TMEM127):c.132G>A (p.Leu44=)

Gene: TMEM127 (transmembrane protein 127; minus strand). Cytogenetic location: 2q11.2.
Variant type: single nucleotide variant.
Coding change: c.132G>A on transcript NM_017849.4 (MANE Select); coding-DNA position 132, G replaced by A.
Protein change: p.Leu44=; no amino-acid change (leucine 44 retained).
Molecular consequence: synonymous variant. On other transcripts: intron variant (1).
Genome position (GRCh38, 1-based): chr2:96,265,250, C>T on the plus strand (G>A on the coding strand, the complement: TMEM127 is on the minus strand). VCF-style: chr2-96265250-C-T. GRCh37 (hg19) VCF-style: chr2-96930988-C-T.
Other names: c.132G>A, p.Leu44= (NM_001193304.3); c.-9+619G>A (NM_001407283.1).
Identifiers: ClinVar variation 5042154 (VCV005042154.1).